The following is an entry in ClinVar:

ClinVar aggregate classification (germline): Uncertain significance. Review status: criteria provided, multiple submitters, no conflicts (2 of 4 stars). 2 submissions from 2 submitters: Uncertain significance (2). Last evaluated 2023-08-30.

Conditions:
Cardiovascular phenotype. Identifiers: MedGen CN230736.
Long QT syndrome 1 (LQT1). Identifiers: Orphanet 101016, Orphanet 768, MedGen C4551647, MONDO:0100316, OMIM 192500, MONDO:0008646.

Allele frequency attached by ClinVar (database versions not stated): TOPMed below 0.00001; ExAC 0.00001; gnomAD exomes 0.00001; ESP Exome Variant Server 0.00008.
gnomAD v4.1: 8 of 1,602,076 alleles (0.0005%); highest among the groups gnomAD compares: African/African-American, 0.0013%; no homozygotes.

Submissions (2):

Ambry Genetics
Classification: Uncertain significance for Cardiovascular phenotype. Last evaluated: 2023-08-30. Review status: criteria provided, single submitter. Criteria: Ambry Variant Classification Scheme 2023. Collection method: clinical testing. Allele origin: germline.
Comment: The c.421+5G>A intronic variant results from a G to A substitution 5 nucleotides after coding exon 5 in the CALM3 gene. This nucleotide position is well conserved in available vertebrate species. In silico splice site analysis for this alteration is inconclusive. Since supporting evidence is limited at this time, the clinical significance of this alteration remains unclear.

Labcorp Genetics (formerly Invitae), Labcorp
Classification: Uncertain significance for Long QT syndrome 1. Last evaluated: 2023-04-26. Review status: criteria provided, single submitter. Criteria: Invitae Variant Classification Sherloc (09022015). Collection method: clinical testing. Allele origin: germline.
Comment: In summary, the available evidence is currently insufficient to determine the role of this variant in disease. Therefore, it has been classified as a Variant of Uncertain Significance. Variants that disrupt the consensus splice site are a relatively common cause of aberrant splicing (PMID: 17576681, 9536098). Algorithms developed to predict the effect of sequence changes on RNA splicing suggest that this variant may disrupt the consensus splice site. This variant has not been reported in the literature in individuals affected with CALM3-related conditions. This variant is not present in population databases (gnomAD no frequency). This sequence change falls in intron 5 of the CALM3 gene. It does not directly change the encoded amino acid sequence of the CALM3 protein. It affects a nucleotide within the consensus splice site.

Literature cited by the submitters: PubMed 17576681 (cited by Labcorp Genetics (formerly Invitae), Labcorp); PubMed 9536098 (cited by Labcorp Genetics (formerly Invitae), Labcorp).

NM_005184.4(CALM3):c.421+5G>A

Gene: CALM3 (calmodulin 3; plus strand). Cytogenetic location: 19q13.32.
Variant type: single nucleotide variant.
Coding change: c.421+5G>A on transcript NM_005184.4 (MANE Select); 5 bases into the intron after coding-DNA position 421, G replaced by A.
Molecular consequence: intron variant.
Genome position (GRCh38, 1-based): chr19:46,608,986, G>A. VCF-style: chr19-46608986-G-A. GRCh37 (hg19) VCF-style: chr19-47112243-G-A.
Other names: c.313+5G>A (NM_001329921.1, NM_001329924.2, NM_001329926.2 and 2 more transcripts); c.421+5G>A (NM_001329922.1).
Identifiers: ClinVar variation 2619146 (VCV002619146.5), dbSNP rs376694389, ClinGen allele CA9529833.
Genomic context (GRCh38, chr19:46,608,986, plus strand): 5'-GGATGAGATGATCAGGGAGGCTGACATCGATGGAGATGGCCAGGTCAATTATGAAGGTGA[G>A]TCAAGGCCAGGCTTGATCTCTGGAACAAGAAGAGAATCGCAGCTTCAGGAACAAGCCCCC-3'